The following is an entry in ClinVar:

NM_207037.2(TCF12):c.1582G>A (p.Gly528Ser)

Gene: TCF12 (transcription factor 12; plus strand). Cytogenetic location: 15q21.3.
Variant type: single nucleotide variant.
Coding change: c.1582G>A on transcript NM_207037.2 (MANE Select); coding-DNA position 1582, G replaced by A.
Protein change: p.Gly528Ser; replaces glycine 528 with serine.
Molecular consequence: missense variant.
Genome position (GRCh38, 1-based): chr15:57,262,208, G>A. VCF-style: chr15-57262208-G-A. GRCh37 (hg19) VCF-style: chr15-57554406-G-A.
Other names: c.1072G>A, p.Gly358Ser (NM_001306219.3); c.802G>A, p.Gly268Ser (NM_001306220.3); c.1582G>A, p.Gly528Ser (NM_001322151.2, NM_001322152.2, NM_001322159.3 and 2 more transcripts); c.925G>A, p.Gly309Ser (NM_001322154.2); c.1408G>A, p.Gly470Ser (NM_001322156.2); c.1510G>A, p.Gly504Ser (NM_001322157.3, NM_001322165.2, NM_003205.4 and 1 more transcripts); c.1336G>A, p.Gly446Ser (NM_001322158.2); c.1579G>A, p.Gly527Ser (NM_001322161.2); and 2 more; short protein forms G309S, G516S, G334S, G446S, G470S, G358S, G527S, G268S.
Identifiers: ClinVar variation 1429884 (VCV001429884.6), dbSNP rs2152057074, ClinGen allele CA392589450.

ClinVar aggregate classification (germline): Uncertain significance (1 of 4 stars; one submission).

Submission:

Labcorp Genetics (formerly Invitae), Labcorp
Classification: Uncertain significance. Last evaluated: 2025-04-17. Review status: criteria provided, single submitter. Criteria: Invitae Variant Classification Sherloc (09022015). Collection method: clinical testing. Allele origin: germline.
Comment: This sequence change replaces glycine, which is neutral and non-polar, with serine, which is neutral and polar, at codon 528 of the TCF12 protein (p.Gly528Ser). This variant also falls at the last nucleotide of exon 17, which is part of the consensus splice site for this exon. This variant is not present in population databases (gnomAD no frequency). This variant has not been reported in the literature in individuals affected with TCF12-related conditions. ClinVar contains an entry for this variant (Variation ID: 1429884). An algorithm developed to predict the effect of missense changes on protein structure and function (PolyPhen-2) suggests that this variant is likely to be tolerated. Variants that disrupt the consensus splice site are a relatively common cause of aberrant splicing (PMID: 17576681, 9536098). Algorithms developed to predict the effect of sequence changes on RNA splicing suggest that this variant may disrupt the consensus splice site. In summary, the available evidence is currently insufficient to determine the role of this variant in disease. Therefore, it has been classified as a Variant of Uncertain Significance.

Literature cited by the submitters: PubMed 17576681; PubMed 9536098.